The following is an entry in ClinVar:

NM_012478.4(WBP2):c.515A>G (p.Tyr172Cys)

Gene: WBP2 (WW domain binding protein 2; minus strand). Cytogenetic location: 17q25.1.
Variant type: single nucleotide variant.
Coding change: c.515A>G on transcript NM_012478.4 (MANE Select); coding-DNA position 515, A replaced by G.
Protein change: p.Tyr172Cys; replaces tyrosine 172 with cysteine.
Molecular consequence: missense variant. On other transcripts: intron variant (1).
Genome position (GRCh38, 1-based): chr17:75,847,813, T>C on the plus strand (A>G on the coding strand, the complement: WBP2 is on the minus strand). VCF-style: chr17-75847813-T-C. GRCh37 (hg19) VCF-style: chr17-73843894-T-C.
Other names: c.515A>G, p.Tyr172Cys (NM_001348170.1); c.398-204A>G (NM_001330499.2); short protein forms Y172C.
Identifiers: ClinVar variation 3718769 (VCV003718769.2).

ClinVar aggregate classification (germline): Uncertain significance (1 of 4 stars; one submission).

gnomAD v4.1: 29 of 1,556,826 alleles (0.0019%); highest among the groups gnomAD compares: African/African-American, 0.0055%; no homozygotes.

Submission:

Labcorp Genetics (formerly Invitae), Labcorp
Classification: Uncertain significance. Last evaluated: 2024-05-23. Review status: criteria provided, single submitter. Criteria: Invitae Variant Classification Sherloc (09022015). Collection method: clinical testing. Allele origin: germline.
Comment: This sequence change replaces tyrosine, which is neutral and polar, with cysteine, which is neutral and slightly polar, at codon 172 of the WBP2 protein (p.Tyr172Cys). This variant is present in population databases (no rsID available, gnomAD 0.02%). This variant has not been reported in the literature in individuals affected with WBP2-related conditions. Advanced modeling of protein sequence and biophysical properties (such as structural, functional, and spatial information, amino acid conservation, physicochemical variation, residue mobility, and thermodynamic stability) performed at Invitae indicates that this missense variant is not expected to disrupt WBP2 protein function with a negative predictive value of 80%. In summary, the available evidence is currently insufficient to determine the role of this variant in disease. Therefore, it has been classified as a Variant of Uncertain Significance.